The following is an entry in ClinVar:

ClinVar aggregate classification (germline): Uncertain significance. Review status: criteria provided, multiple submitters, no conflicts (2 of 4 stars). 2 submissions from 2 submitters: Uncertain significance (2). Last evaluated 2025-11-13.

Conditions:
Hereditary cancer-predisposing syndrome. Also called: Tumor predisposition; Hereditary neoplastic syndrome; Neoplastic Syndromes, Hereditary; Hereditary Cancer Syndrome. Identifiers: Orphanet 140162, MedGen C0027672, MeSH D009386, MONDO:0015356.
Hereditary breast ovarian cancer syndrome. Also called: Hereditary breast and ovarian cancer; Hereditary breast and ovarian cancer syndrome; Hereditary breast and/or ovarian cancer syndrome; Hereditary breast and ovarian cancer syndrome (HBOC); Breast and ovarian cancer; BRCA1- and BRCA2-Associated Hereditary Breast and Ovarian Cancer. Identifiers: Orphanet 145, MedGen C0677776, MeSH D061325, MONDO:0003582. Disease mechanism: loss of function.

Allele frequency attached by ClinVar (database versions not stated): TOPMed below 0.00001; gnomAD 0.00001.
gnomAD v4.1: 1 of 1,613,730 alleles (0.000062%); highest among the groups gnomAD compares: Non-Finnish European, 0.000085%; no homozygotes.

Submissions (2):

Ambry Genetics
Classification: Uncertain significance for Hereditary cancer-predisposing syndrome. Last evaluated: 2025-11-13. Review status: criteria provided, single submitter. Criteria: Ambry Variant Classification Scheme 2023. Collection method: clinical testing. Allele origin: germline.
Comment: The p.T190A variant (also known as c.568A>G), located in coding exon 7 of the BRCA1 gene, results from an A to G substitution at nucleotide position 568. The threonine at codon 190 is replaced by alanine, an amino acid with similar properties. This amino acid position is not well conserved in available vertebrate species. In addition, this alteration is predicted to be deleterious by in silico analysis. Based on the available evidence, the clinical significance of this variant remains unclear.

Labcorp Genetics (formerly Invitae), Labcorp
Classification: Uncertain significance for Hereditary breast ovarian cancer syndrome. Last evaluated: 2021-01-21. Review status: criteria provided, single submitter. Criteria: Invitae Variant Classification Sherloc (09022015). Collection method: clinical testing. Allele origin: germline.
Comment: This variant is not present in population databases (ExAC no frequency). In summary, the available evidence is currently insufficient to determine the role of this variant in disease. Therefore, it has been classified as a Variant of Uncertain Significance. Advanced modeling of protein sequence and biophysical properties (such as structural, functional, and spatial information, amino acid conservation, physicochemical variation, residue mobility, and thermodynamic stability) performed at Invitae indicates that this missense variant is not expected to disrupt BRCA1 protein function. This variant has not been reported in the literature in individuals with BRCA1-related conditions. This sequence change replaces threonine with alanine at codon 190 of the BRCA1 protein (p.Thr190Ala). The threonine residue is moderately conserved and there is a small physicochemical difference between threonine and alanine.

NM_007294.4(BRCA1):c.568A>G (p.Thr190Ala)

Gene: BRCA1 (BRCA1 DNA repair associated; minus strand). Cytogenetic location: 17q21.31.
Variant type: single nucleotide variant.
Coding change: c.568A>G on transcript NM_007294.4 (MANE Select); coding-DNA position 568, A replaced by G.
Protein change: p.Thr190Ala; replaces threonine 190 with alanine.
Molecular consequence: missense variant. On other transcripts: non-coding transcript variant (1).
Genome position (GRCh38, 1-based): chr17:43,097,269, T>C on the plus strand (A>G on the coding strand, the complement: BRCA1 is on the minus strand). VCF-style: chr17-43097269-T-C. GRCh37 (hg19) VCF-style: chr17-41249286-T-C.
Other names: c.355A>G, p.Thr119Ala (NM_001407571.1, NM_001407853.1, NM_001407894.1 and 12 more transcripts); c.568A>G, p.Thr190Ala (NM_001407581.1, NM_001407582.1, NM_001407583.1 and 59 more transcripts); c.565A>G, p.Thr189Ala (NM_001407587.1, NM_001407590.1, NM_001407591.1 and 41 more transcripts); c.559A>G, p.Thr187Ala (NM_001407646.1, NM_001407647.1, NM_001408408.1); c.490A>G, p.Thr164Ala (NM_001407653.1, NM_001407654.1, NM_001407655.1 and 9 more transcripts); c.487A>G, p.Thr163Ala (NM_001407659.1, NM_001407660.1, NM_001407661.1 and 3 more transcripts); c.427A>G, p.Thr143Ala (NM_001407692.1, NM_001407694.1, NM_001407695.1 and 43 more transcripts); c.424A>G, p.Thr142Ala (NM_001407740.1, NM_001407741.1, NM_001407742.1 and 26 more transcripts); and 4 more; short protein forms T190A, T143A, T145A, T62A, T63A, T164A, T189A, T119A.
Identifiers: ClinVar variation 1489611 (VCV001489611.10), dbSNP rs967624732, ClinGen allele CA10600988.